The following is an entry in ClinVar:

NM_033056.4(PCDH15):c.4666A>G (p.Ile1556Val)

Gene: PCDH15 (protocadherin related 15; minus strand). Cytogenetic location: 10q21.1.
Variant type: single nucleotide variant.
Coding change: c.4666A>G on transcript NM_033056.4 (MANE Plus Clinical); coding-DNA position 4666, A replaced by G.
Protein change: p.Ile1556Val; replaces isoleucine 1556 with valine.
Molecular consequence: missense variant. On other transcripts: intron variant (8).
Genome position (GRCh38, 1-based): chr10:53,823,060, T>C on the plus strand (A>G on the coding strand, the complement: PCDH15 is on the minus strand). VCF-style: chr10-53823060-T-C. GRCh37 (hg19) VCF-style: chr10-55582820-T-C.
Other names: c.4367+4333A>G (NM_001354429.2, NM_001354420.2); c.4368-2830A>G (NM_001384140.1); c.4373+2076A>G (NM_001142772.2, NM_001142770.3); c.4388+2076A>G (NM_001142771.2); c.4388+4333A>G (NM_001354411.2); c.4409+2076A>G (NM_001142769.3); c.4687A>G, p.Ile1563Val (NM_001142763.2); c.4672A>G, p.Ile1558Val (NM_001142764.2); and 6 more; short protein forms I1516V, I1533V, I1536V, I1558V, I1534V, I1556V, I1563V, I1487V.
Identifiers: ClinVar variation 1461306 (VCV001461306.7), dbSNP rs922438301, ClinGen allele CA207220627.
Genomic context (GRCh38, chr10:53,823,060, plus strand): 5'-GACTCCACAGCCTCTGAATCTTTTCTCTTGGGCCCCTCAGAGACTTACTCTTGGCTTGTA[T>C]TTTGGGTGAAAATGGGTCTACAAAATCTGTTCTCTGTGAAATGTCTGAATTTGTTGATAC-3'
Protein context (NP_149045.3, residues 1546-1566): TDFVDPFSPK[Ile1556Val]QAKSKSLRGP

ClinVar aggregate classification (germline): Uncertain significance. Review status: criteria provided, multiple submitters, no conflicts (2 of 4 stars). 3 submissions from 3 submitters: Uncertain significance (2). 1 of the submissions does not count toward it. Last evaluated 2024-12-03.

Conditions:
Usher syndrome type 1F (USH1F). Also called: USHER SYNDROME, TYPE IF. Identifiers: Orphanet 231169, Orphanet 886, MedGen C1865885, MONDO:0011186, OMIM 602083.
Inborn genetic diseases. Identifiers: MedGen C0950123, MeSH D030342.

Allele frequency attached by ClinVar (database versions not stated): gnomAD 0.00001; TOPMed 0.00001.
gnomAD v4.1: 1 of 1,613,934 alleles (0.000062%); highest among the groups gnomAD compares: African/African-American, 0.0013%; no homozygotes.

Submissions (3):

Ambry Genetics
Classification: Uncertain significance for Inborn genetic diseases. Last evaluated: 2024-12-03. Review status: criteria provided, single submitter. Criteria: Ambry Variant Classification Scheme 2023. Collection method: clinical testing. Allele origin: germline.

Labcorp Genetics (formerly Invitae), Labcorp
Classification: Uncertain significance. Last evaluated: 2022-07-12. Review status: criteria provided, single submitter. Criteria: Invitae Variant Classification Sherloc (09022015). Collection method: clinical testing. Allele origin: germline.
Comment: This sequence change replaces isoleucine, which is neutral and non-polar, with valine, which is neutral and non-polar, at codon 1556 of the PCDH15 protein (p.Ile1556Val). This variant is present in population databases (no rsID available, gnomAD 0.01%). This variant has not been reported in the literature in individuals affected with PCDH15-related conditions. ClinVar contains an entry for this variant (Variation ID: 1461306). Algorithms developed to predict the effect of missense changes on protein structure and function (SIFT, PolyPhen-2, Align-GVGD) all suggest that this variant is likely to be tolerated. Algorithms developed to predict the effect of sequence changes on RNA splicing suggest that this variant may create or strengthen a splice site. In summary, the available evidence is currently insufficient to determine the role of this variant in disease. Therefore, it has been classified as a Variant of Uncertain Significance.

Natera, Inc.
Classification: Uncertain significance for Usher syndrome type 1F. Last evaluated: 2025-03-27. Review status: no assertion criteria provided. Collection method: clinical testing. Allele origin: germline. Not counted in ClinVar's aggregate classification.